The following is an entry in ClinVar:

NM_000064.4(C3):c.2291G>A (p.Arg764Gln)

Gene: C3 (complement C3; minus strand). Cytogenetic location: 19p13.3.
Variant type: single nucleotide variant.
Coding change: c.2291G>A on transcript NM_000064.4 (MANE Select); coding-DNA position 2291, G replaced by A.
Protein change: p.Arg764Gln; replaces arginine 764 with glutamine.
Molecular consequence: missense variant.
Genome position (GRCh38, 1-based): chr19:6,702,534, C>T on the plus strand (G>A on the coding strand, the complement: C3 is on the minus strand). VCF-style: chr19-6702534-C-T. GRCh37 (hg19) VCF-style: chr19-6702545-C-T.
Other names: short protein forms R764Q.
Identifiers: ClinVar variation 4743071 (VCV004743071.1), dbSNP rs143642234.

ClinVar aggregate classification (germline): Uncertain significance (1 of 4 stars; one submission).

Submission:

Labcorp Genetics (formerly Invitae), Labcorp
Classification: Uncertain significance. Last evaluated: 2025-03-11. Review status: criteria provided, single submitter. Criteria: Invitae Variant Classification Sherloc (09022015). Collection method: clinical testing. Allele origin: germline.
Comment: This sequence change replaces arginine, which is basic and polar, with glutamine, which is neutral and polar, at codon 764 of the C3 protein (p.Arg764Gln). This variant is not present in population databases (gnomAD no frequency). This variant has not been reported in the literature in individuals affected with C3-related conditions. Invitae Evidence Modeling of protein sequence and biophysical properties (such as structural, functional, and spatial information, amino acid conservation, physicochemical variation, residue mobility, and thermodynamic stability) indicates that this missense variant is expected to disrupt C3 protein function with a positive predictive value of 80%. In summary, the available evidence is currently insufficient to determine the role of this variant in disease. Therefore, it has been classified as a Variant of Uncertain Significance.